The following is an entry in ClinVar:

NM_138694.4(PKHD1):c.6988_6989del (p.Val2330fs)

Gene: PKHD1 (PKHD1 ciliary IPT domain containing fibrocystin/polyductin; minus strand). Cytogenetic location: 6p12.2.
Variant type: Deletion.
Coding change: c.6988_6989del on transcript NM_138694.4 (MANE Select); coding-DNA positions 6988 to 6989, 2 bases deleted (GT; older notation c.6988_6989delGT).
Protein change: p.Val2330fs; shifts the reading frame from valine 2330.
Molecular consequence: frameshift variant.
Genome position (GRCh38, 1-based): chr6:51,903,604-51,903,605, AC deleted on the plus strand (GT on the coding strand, the reverse complement: PKHD1 is on the minus strand); deleting any 2 consecutive bases within chr6:51,903,604-51,903,606 gives the same sequence; the c. name uses the placement nearest the transcript's 3' end. VCF-style (leftmost placement, unchanged base first): chr6-51903603-AAC-A. GRCh37 (hg19) VCF-style: chr6-51768401-AAC-A.
Other names: c.6988_6989del, p.Val2330fs (NM_170724.3); short protein forms V2330fs.
Identifiers: ClinVar variation 5016034 (VCV005016034.1).
Genomic context (GRCh38, chr6:51,903,603, plus strand): 5'-AAGAACTTTATGCCCTCTCAGTTCTGGTCTTCCTGGTAGAGCTGAACATCTTACCTCTAT[AAC>A]ATTGGTGGGACTGCAGATATAGATGCCAGATGGTGTCAACATTTCAGGATTGGAGAGTCC-3'

ClinVar aggregate classification (germline): Pathogenic (1 of 4 stars; one submission).

Conditions:
Polycystic kidney disease 4 (PKD4). Also called: PKD3; Autosomal Recessive Polycystic Kidney Disease – PKHD1; POLYCYSTIC KIDNEY AND HEPATIC DISEASE 1; POLYCYSTIC KIDNEY DISEASE, INFANTILE, TYPE I; POLYCYSTIC KIDNEY DISEASE 4 WITH OR WITHOUT POLYCYSTIC LIVER DISEASE. Identifiers: MedGen C4540575, MONDO:0033004, OMIM 263200.

Submission:

Myriad Genetics, Inc.
Classification: Pathogenic for Polycystic kidney disease 4. Last evaluated: 2026-06-13. Review status: criteria provided, single submitter. Criteria: Myriad Autosomal Dominant, Autosomal Recessive and X-Linked Classification Criteria (2023). Collection method: clinical testing. Allele origin: unknown.
Comment: NM_138694.3(PKHD1):c.6988_6989delGT(V2330Yfs*48) is expected to be pathogenic in the context of autosomal recessive polycystic kidney disease, PKHD1-related. This variant is predicted to lead to an abnormal or absent protein product due to the creation of a premature termination codon in PKHD1, a gene where loss-of-function variants are known to be pathogenic. Please note: this variant was assessed in the context of healthy population screening.